The following is an entry in ClinVar:

ClinVar aggregate classification (germline): Uncertain significance (1 of 4 stars; one submission).

gnomAD v4.1: 1 of 1,607,514 alleles (0.000062%); highest among the groups gnomAD compares: East Asian, 0.0022%; no homozygotes.

Submission:

Labcorp Genetics (formerly Invitae), Labcorp
Classification: Uncertain significance. Last evaluated: 2025-05-12. Review status: criteria provided, single submitter. Criteria: Invitae Variant Classification Sherloc (09022015). Collection method: clinical testing. Allele origin: germline.
Comment: This sequence change replaces asparagine, which is neutral and polar, with isoleucine, which is neutral and non-polar, at codon 550 of the MSH3 protein (p.Asn550Ile). This variant is present in population databases (no rsID available, gnomAD 0.006%). This variant has not been reported in the literature in individuals affected with MSH3-related conditions. An algorithm developed to predict the effect of missense changes on protein structure and function (PolyPhen-2) suggests that this variant is likely to be disruptive. In summary, the available evidence is currently insufficient to determine the role of this variant in disease. Therefore, it has been classified as a Variant of Uncertain Significance.

NM_002439.5(MSH3):c.1649A>T (p.Asn550Ile)

Gene: MSH3 (mutS homolog 3; plus strand). Cytogenetic location: 5q14.1.
Variant type: single nucleotide variant.
Coding change: c.1649A>T on transcript NM_002439.5 (MANE Select); coding-DNA position 1649, A replaced by T.
Protein change: p.Asn550Ile; replaces asparagine 550 with isoleucine.
Molecular consequence: missense variant.
Genome position (GRCh38, 1-based): chr5:80,741,544, A>T. VCF-style: chr5-80741544-A-T. GRCh37 (hg19) VCF-style: chr5-80037363-A-T.
Other names: short protein forms N550I.
Identifiers: ClinVar variation 4717574 (VCV004717574.1).